The following is an entry in ClinVar:

ClinVar aggregate classification (germline): Uncertain significance. Review status: criteria provided, multiple submitters, no conflicts (2 of 4 stars). 2 submissions from 2 submitters: Uncertain significance (2). Last evaluated 2025-06-29.

Conditions:
Congenital disorder of deglycosylation (CDDG). Identifiers: MedGen C3808991, MONDO:0031376.
Inborn genetic diseases. Identifiers: MedGen C0950123, MeSH D030342.

Allele frequency attached by ClinVar (database versions not stated): TOPMed 0.00002; ExAC 0.00003.
gnomAD v4.1: 35 of 1,573,156 alleles (0.0022%); highest among the groups gnomAD compares: Non-Finnish European, 0.0026%; no homozygotes.

Submissions (2):

Ambry Genetics
Classification: Uncertain significance for Inborn genetic diseases. Last evaluated: 2025-06-29. Review status: criteria provided, single submitter. Criteria: Ambry Variant Classification Scheme 2023. Collection method: clinical testing. Allele origin: germline.

Labcorp Genetics (formerly Invitae), Labcorp
Classification: Uncertain significance for Congenital disorder of deglycosylation. Last evaluated: 2022-02-24. Review status: criteria provided, single submitter. Criteria: Invitae Variant Classification Sherloc (09022015). Collection method: clinical testing. Allele origin: germline.
Comment: This sequence change replaces serine, which is neutral and polar, with phenylalanine, which is neutral and non-polar, at codon 14 of the NGLY1 protein (p.Ser14Phe). This variant is present in population databases (rs767547861, gnomAD 0.006%). This variant has not been reported in the literature in individuals affected with NGLY1-related conditions. ClinVar contains an entry for this variant (Variation ID: 1020624). Algorithms developed to predict the effect of missense changes on protein structure and function are either unavailable or do not agree on the potential impact of this missense change (SIFT: "Tolerated"; PolyPhen-2: "Not Available"; Align-GVGD: "Class C0"). In summary, the available evidence is currently insufficient to determine the role of this variant in disease. Therefore, it has been classified as a Variant of Uncertain Significance.

NM_018297.4(NGLY1):c.41C>T (p.Ser14Phe)

Gene: NGLY1 (N-glycanase 1; minus strand). Cytogenetic location: 3p24.2.
Variant type: single nucleotide variant.
Coding change: c.41C>T on transcript NM_018297.4 (MANE Select); coding-DNA position 41, C replaced by T.
Protein change: p.Ser14Phe; replaces serine 14 with phenylalanine.
Molecular consequence: missense variant. On other transcripts: intron variant (1).
Genome position (GRCh38, 1-based): chr3:25,783,350, G>A on the plus strand (C>T on the coding strand, the complement: NGLY1 is on the minus strand). VCF-style: chr3-25783350-G-A. GRCh37 (hg19) VCF-style: chr3-25824841-G-A.
Other names: c.41C>T, p.Ser14Phe (NM_001145293.2, NM_001145295.2); c.6-4662C>T (NM_001145294.2); c.41C>T (NM_018297.3); short protein forms S14F.
Identifiers: ClinVar variation 1020624 (VCV001020624.3), dbSNP rs767547861, ClinGen allele CA2289604.